The following is an entry in ClinVar:

ClinVar aggregate classification (germline): Uncertain significance (1 of 4 stars; one submission).

Submission:

GeneDx
Classification: Uncertain significance. Last evaluated: 2026-03-24. Review status: criteria provided, single submitter. Criteria: GeneDx Variant Classification Process June 2021. Collection method: clinical testing. Allele origin: germline.
Comment: Has not been previously published as pathogenic or benign to our knowledge; No data available from control populations to assess the frequency of this variant; Reported using an alternate transcript of the gene; Frameshift variant predicted to result in abnormal protein length as the last 308 amino acid(s) are replaced with 10 different amino acid(s) with an unclear effect on protein function

NM_001368397.1(FRMPD4):c.4362_4363del (p.Ser1455fs)

Gene: FRMPD4 (FERM and PDZ domain containing 4; plus strand). Cytogenetic location: Xp22.2.
Variant type: Deletion.
Coding change: c.4362_4363del on transcript NM_001368397.1 (MANE Select); coding-DNA positions 4362 to 4363, 2 bases deleted (AA; older notation c.4362_4363delAA).
Protein change: p.Ser1455fs; shifts the reading frame from serine 1455.
Molecular consequence: frameshift variant. On other transcripts: 3 prime UTR variant (6).
Genome position (GRCh38, 1-based): chrX:12,720,931-12,720,932, AA deleted; deleting any 2 consecutive bases within chrX:12,720,929-12,720,932 gives the same sequence; the c. name uses the placement nearest the transcript's 3' end. VCF-style (leftmost placement, unchanged base first): chrX-12720928-CAA-C. GRCh37 (hg19) VCF-style: chrX-12739047-CAA-C.
Other names: c.4473_4474del, p.Ser1492fs (NM_001368395.3); c.4368_4369del, p.Ser1457fs (NM_001368396.3); c.*398_*399del (NM_001368398.3, NM_001368399.3, NM_001368400.3 and 3 more transcripts); short protein forms S1455fs, S1457fs, S1492fs.
Identifiers: ClinVar variation 5017003 (VCV005017003.1).
Genomic context (GRCh38, chrX:12,720,928, plus strand): 5'-AGAAGCACAGGAGGCCAGTTCTGAAAGGCGAGCAGAACTCCCCCTGGGGAGGAAGCTCAC[CAA>C]AAGTTTTTCCCAAAGCTCAATGCACTTGAGCTCTGAGGGGAGGTTTCACAAAAGGTCCCC-3'